The following is an entry in ClinVar:

ClinVar aggregate classification (germline): Pathogenic. Review status: criteria provided, single submitter (1 of 4 stars). 2 submissions from 2 submitters: Pathogenic (1). 1 of the submissions does not count toward it. Last evaluated 2025-03-30.

Conditions:
Trichorhinophalangeal dysplasia type I (TRPS1). Also called: TRICHORHINOPHALANGEAL SYNDROME, TYPE I; TRPS I. Identifiers: Orphanet 77258, MedGen C0432233, MONDO:0008596, OMIM 190350.
Trichorhinophalangeal syndrome, type III (TRPS3). Also called: SUGIO-KAJII SYNDROME. Identifiers: Orphanet 77258, MedGen C1860823, OMIM 190351, MONDO:0008597.

Submissions (2):

Labcorp Genetics (formerly Invitae), Labcorp
Classification: Pathogenic for Trichorhinophalangeal syndrome, type III; Trichorhinophalangeal dysplasia type I. Last evaluated: 2025-03-30. Review status: criteria provided, single submitter. Criteria: Invitae Variant Classification Sherloc (09022015). Collection method: clinical testing. Allele origin: germline.
Comment: This sequence change creates a premature translational stop signal (p.Val727Serfs*29) in the TRPS1 gene. It is expected to result in an absent or disrupted protein product. Loss-of-function variants in TRPS1 are known to be pathogenic (PMID: 11112658). This variant is not present in population databases (gnomAD no frequency). This premature translational stop signal has been observed in individual(s) with trichorhinophalangeal syndrome (PMID: 25792522). ClinVar contains an entry for this variant (Variation ID: 438456). For these reasons, this variant has been classified as Pathogenic.

GeneReviews
No classification provided. Condition: Trichorhinophalangeal dysplasia type I. Review status: no classification provided. Collection method: literature only. Allele origin: germline. Not counted in ClinVar's aggregate classification.

Literature cited by the submitters: PubMed 11112658 (cited by Labcorp Genetics (formerly Invitae), Labcorp); PubMed 25792522 (cited by Labcorp Genetics (formerly Invitae), Labcorp and GeneReviews); NCBI Bookshelf NBK425926 (cited by GeneReviews).

NM_014112.5(TRPS1):c.2179_2180del (p.Val727fs)

Gene: TRPS1 (transcriptional repressor GATA binding 1; minus strand). Cytogenetic location: 8q23.3.
Variant type: Deletion.
Coding change: c.2179_2180del on transcript NM_014112.5 (MANE Select); coding-DNA positions 2179 to 2180, 2 bases deleted (GT; older notation c.2179_2180delGT).
Protein change: p.Val727fs; shifts the reading frame from valine 727.
Molecular consequence: frameshift variant.
Genome position (GRCh38, 1-based): chr8:115,587,521-115,587,522, AC deleted on the plus strand (GT on the coding strand, the reverse complement: TRPS1 is on the minus strand); deleting any 2 consecutive bases within chr8:115,587,521-115,587,523 gives the same sequence; the c. name uses the placement nearest the transcript's 3' end. VCF-style (leftmost placement, unchanged base first): chr8-115587520-AAC-A. GRCh37 (hg19) VCF-style: chr8-116599747-AAC-A.
Other names: c.2152_2153del, p.Val718fs (NM_001282902.3); c.2158_2159del, p.Val720fs (NM_001282903.3); c.2140_2141del, p.Val714fs (NM_001330599.2); short protein forms V718fs, V727fs, V714fs, V720fs.
Identifiers: ClinVar variation 438456 (VCV000438456.3), dbSNP rs1554593099, ClinGen allele CA645509472.